The following is an entry in ClinVar:

NM_000132.4(F8):c.6514C>T (p.Pro2172Ser)

Gene: F8 (coagulation factor VIII; minus strand). Cytogenetic location: Xq28.
Variant type: single nucleotide variant.
Coding change: c.6514C>T on transcript NM_000132.4 (MANE Select); coding-DNA position 6514, C replaced by T.
Protein change: p.Pro2172Ser; replaces proline 2172 with serine.
Molecular consequence: missense variant.
Genome position (GRCh38, 1-based): chrX:154,863,143, G>A on the plus strand (C>T on the coding strand, the complement: F8 is on the minus strand). VCF-style: chrX-154863143-G-A. GRCh37 (hg19) VCF-style: chrX-154091418-G-A.
Other names: c.109C>T, p.Pro37Ser (NM_019863.3); short protein forms P2172S, P37S.
Identifiers: ClinVar variation 5041692 (VCV005041692.1).

ClinVar aggregate classification (germline): Uncertain significance (1 of 4 stars; one submission).

Submission:

CeGaT Center for Human Genetics Tuebingen
Classification: Uncertain significance. Last evaluated: 2026-09-01. Review status: criteria provided, single submitter. Criteria: CeGaT Center For Human Genetics Tuebingen Variant Classification Criteria Version 2. Collection method: clinical testing. Allele origin: germline. Affected: yes. Observed: 1 variant allele.
Comment: F8: PM2, PM5